The following is an entry in ClinVar:

ClinVar aggregate classification (germline): Likely benign (1 of 4 stars; one submission).

Allele frequency attached by ClinVar (database versions not stated): gnomAD exomes below 0.00001; gnomAD 0.00001.
gnomAD v4.1: 6 of 1,613,814 alleles (0.00037%); highest among the groups gnomAD compares: South Asian, 0.0044%; no homozygotes.

Submission:

CeGaT Center for Human Genetics Tuebingen
Classification: Likely benign. Last evaluated: 2022-12-01. Review status: criteria provided, single submitter. Criteria: CeGaT Center For Human Genetics Tuebingen Variant Classification Criteria Version 2. Collection method: clinical testing. Allele origin: germline. Affected: yes. Observed: 1 variant allele.
Comment: FXR1: BP4, BP7

NM_005087.4(FXR1):c.30C>T (p.Gly10=)

Gene: FXR1 (FMR1 autosomal homolog 1; plus strand). Cytogenetic location: 3q26.33.
Variant type: single nucleotide variant.
Coding change: c.30C>T on transcript NM_005087.4 (MANE Select); coding-DNA position 30, C replaced by T.
Protein change: p.Gly10=; no amino-acid change (glycine 10 retained).
Molecular consequence: synonymous variant. On other transcripts: 5 prime UTR variant (2).
Genome position (GRCh38, 1-based): chr3:180,912,715, C>T. VCF-style: chr3-180912715-C-T. GRCh37 (hg19) VCF-style: chr3-180630503-C-T.
Other names: c.-570C>T (NM_001363882.1, NM_001013439.3); c.30C>T, p.Gly10= (NM_001013438.3).
Identifiers: ClinVar variation 2654293 (VCV002654293.24), dbSNP rs1717358953, ClinGen allele CA437079796.